The following is an entry in ClinVar:

NM_022051.3(EGLN1):c.997G>T (p.Asp333Tyr)

Gene: EGLN1 (egl-9 family hypoxia inducible factor 1; minus strand). Cytogenetic location: 1q42.2.
Variant type: single nucleotide variant.
Coding change: c.997G>T on transcript NM_022051.3 (MANE Select); coding-DNA position 997, G replaced by T.
Protein change: p.Asp333Tyr; replaces aspartic acid 333 with tyrosine.
Molecular consequence: missense variant.
Genome position (GRCh38, 1-based): chr1:231,373,994, C>A on the plus strand (G>T on the coding strand, the complement: EGLN1 is on the minus strand). VCF-style: chr1-231373994-C-A. GRCh37 (hg19) VCF-style: chr1-231509740-C-A.
Other names: c.997G>T, p.Asp333Tyr (NM_001377260.1, NM_001377261.1); short protein forms D333Y.
Identifiers: ClinVar variation 1768799 (VCV001768799.2), dbSNP rs2527236845, ClinGen allele CA345241274.
Genomic context (GRCh38, chr1:231,373,994, plus strand): 5'-AAAGACACCTGTAAGAAAAAAATAAATGCTCAATTAAGTTGCATACCTTGGCATCCCAGT[C>A]TTTATTAAGATAATATATACATGTCACACATCTTCCATCTCCATTTGGATTATCAACATG-3'
Protein context (NP_071334.1, residues 323-343): CVTCIYYLNK[Asp333Tyr]WDAKVSGGIL

ClinVar aggregate classification (germline): Uncertain significance (1 of 4 stars; one submission).

Submission:

Ambry Genetics
Classification: Uncertain significance. Last evaluated: 2021-12-10. Review status: criteria provided, single submitter. Criteria: Ambry Variant Classification Scheme 2023. Collection method: clinical testing. Allele origin: germline.
Comment: The p.D333Y variant (also known as c.997G>T), located in coding exon 2 of the EGLN1 gene, results from a G to T substitution at nucleotide position 997. The aspartic acid at codon 333 is replaced by tyrosine, an amino acid with highly dissimilar properties. This amino acid position is conserved. In addition, this alteration is predicted to be deleterious by in silico analysis. Since supporting evidence is limited at this time, the clinical significance of this alteration remains unclear.